The following is an entry in ClinVar:

ClinVar aggregate classification (germline): Uncertain significance (1 of 4 stars; one submission).

gnomAD v4.1: 35 of 1,221,434 alleles (0.0029%); highest among the groups gnomAD compares: Middle Eastern, 0.14%; 1 homozygote.

Submission:

GeneDx
Classification: Uncertain significance. Last evaluated: 2025-08-06. Review status: criteria provided, single submitter. Criteria: GeneDx Variant Classification Process June 2021. Collection method: clinical testing. Allele origin: germline. Affected: yes.
Comment: Observed with an additional CD36 variant in an individual with negative platelet CD36 expression, but no specific clinical information or segregation studies were provided (PMID: 33822386); In silico analysis supports a deleterious effect on splicing; This variant is associated with the following publications: (PMID: 33822386)

NM_001001548.3(CD36):c.1200-12C>A

Gene: CD36 (CD36 molecule (CD36 blood group); plus strand). Cytogenetic location: 7q21.11.
Variant type: single nucleotide variant.
Coding change: c.1200-12C>A on transcript NM_001001548.3 (MANE Select); 12 bases into the intron before coding-DNA position 1200, C replaced by A.
Molecular consequence: intron variant.
Genome position (GRCh38, 1-based): chr7:80,673,343, C>A. VCF-style: chr7-80673343-C-A. GRCh37 (hg19) VCF-style: chr7-80302659-C-A.
Other names: c.1200-12C>A (NM_001371075.1, NM_001001547.3, NM_001371074.1 and 5 more transcripts); c.735-12C>A (NM_001371081.1, NM_001371080.1); c.972-12C>A (NM_001289911.2); c.1098-12C>A (NM_001371079.1); c.1020-12C>A (NM_001289909.1); c.1083-12C>A (NM_001289908.1).
Identifiers: ClinVar variation 4755732 (VCV004755732.1).
Genomic context (GRCh38, chr7:80,673,343, plus strand): 5'-CATTTATTTTAAAGTTTGTTATATATAAATATTAGTTTATATGTTCATAATTATTTTCAA[C>A]GTATATTACAGAGTATTAAAGAATCTGAAGAGGAACTATATTGTGCCTATTCTTTGGCTT-3'